The following is an entry in ClinVar:

NM_012144.4(DNAI1):c.1451_1452insATATGAAGTATTCGATA (p.Thr485fs)

Gene: DNAI1 (dynein axonemal intermediate chain 1; plus strand). Cytogenetic location: 9p13.3.
Variant type: Insertion.
Coding change: c.1451_1452insATATGAAGTATTCGATA on transcript NM_012144.4 (MANE Select); coding-DNA positions 1451 to 1452, ATATGAAGTATTCGATA inserted.
Protein change: p.Thr485fs; shifts the reading frame from threonine 485.
Molecular consequence: frameshift variant.
Genome position: GRCh38 VCF-style: chr9-34512386-C-CATATGAAGTATTCGATA. GRCh37 (hg19) VCF-style: chr9-34512384-C-CATATGAAGTATTCGATA.
Other names: c.1463_1464insATATGAAGTATTCGATA, p.Thr489fs (NM_001281428.2); short protein forms T485fs, T489fs.
Identifiers: ClinVar variation 5011087 (VCV005011087.1).

ClinVar aggregate classification (germline): Pathogenic (1 of 4 stars; one submission).

Conditions:
Kartagener syndrome (CILD1). Also called: CILIARY DYSKINESIA, PRIMARY, 1; CILIARY DYSKINESIA, PRIMARY, 1, WITH OR WITHOUT SITUS INVERSUS; IMMOTILE CILIA SYNDROME; POLYNESIAN BRONCHIECTASIS; Dextrocardia bronchiectasis and sinusitis; SIEWERT SYNDROME. Identifiers: Orphanet 244, MedGen C4551906, MONDO:0009484, OMIM 244400.

Submission:

Myriad Genetics, Inc.
Classification: Pathogenic for Kartagener syndrome. Last evaluated: 2024-05-14. Review status: criteria provided, single submitter. Criteria: Myriad Autosomal Dominant, Autosomal Recessive and X-Linked Classification Criteria (2023). Collection method: clinical testing. Allele origin: unknown.
Comment: NM_012144.2(DNAI1):c.1451_1452ins17(T485Yfs*35) is expected to be pathogenic in the context of primary ciliary dyskinesia, DNAI1-related. This variant is predicted to lead to an abnormal or absent protein product due to the creation of a premature termination codon in DNAI1, a gene where loss-of-function variants are known to be pathogenic. Please note: this variant was assessed in the context of healthy population screening.